The following is an entry in ClinVar:

ClinVar aggregate classification (germline): Pathogenic (1 of 4 stars; one submission).

Conditions:
O'Donnell-Luria-Rodan syndrome (ODLURO). Also called: KMT2E-Related Neurodevelopmental Disorder. Identifiers: MedGen C5193138, MONDO:0032793, OMIM 618512.

Submission:

Women's Health and Genetics/Laboratory Corporation of America, LabCorp
Classification: Pathogenic for O'Donnell-Luria-Rodan syndrome. Last evaluated: 2023-09-06. Review status: criteria provided, single submitter. Criteria: LabCorp Variant Classification Summary - May 2015. Collection method: clinical testing. Allele origin: germline.
Comment: Variant summary: KMT2E c.1068_1074delTGAATAC (p.Tyr358GlyfsX5) results in a premature termination codon, predicted to cause absence of the protein due to nonsense mediated decay, which is a commonly known mechanism for disease. The variant was absent in 250706 control chromosomes (gnomAD). To our knowledge, no occurrence of c.1068_1074delTGAATAC in individuals affected with O'Donnell-Luria-Rodan Syndrome and no experimental evidence demonstrating its impact on protein function have been reported. No submitters have cited clinical-significance assessments for this variant to ClinVar after 2014. Based on the evidence outlined above, the variant was classified as pathogenic.

NM_182931.3(KMT2E):c.1068_1074del (p.Tyr358fs)

Gene: KMT2E (lysine methyltransferase 2E (inactive); plus strand). Cytogenetic location: 7q22.3.
Variant type: Deletion.
Coding change: c.1068_1074del on transcript NM_182931.3 (MANE Select); coding-DNA positions 1068 to 1074, 7 bases deleted (TGAATAC; older notation c.1068_1074delTGAATAC).
Protein change: p.Tyr358fs; shifts the reading frame from tyrosine 358.
Molecular consequence: frameshift variant.
Genome position (GRCh38, 1-based): chr7:105,077,371-105,077,377, TGAATAC deleted. VCF-style (leftmost placement, unchanged base first): chr7-105077370-TTGAATAC-T. GRCh37 (hg19) VCF-style: chr7-104717817-TTGAATAC-T.
Other names: c.1068_1074del, p.Tyr358fs (NM_001410908.1, NM_018682.4); short protein forms Y358fs.
Identifiers: ClinVar variation 2627141 (VCV002627141.1), dbSNP rs2536428687, ClinGen allele CA2582341931.